The following is an entry in ClinVar:

NM_001065.4(TNFRSF1A):c.914C>G (p.Pro305Arg)

Gene: TNFRSF1A (TNF receptor superfamily member 1A; minus strand). Cytogenetic location: 12p13.31.
Variant type: single nucleotide variant.
Coding change: c.914C>G on transcript NM_001065.4 (MANE Select); coding-DNA position 914, C replaced by G.
Protein change: p.Pro305Arg; replaces proline 305 with arginine.
Molecular consequence: missense variant. On other transcripts: non-coding transcript variant (1).
Genome position (GRCh38, 1-based): chr12:6,329,921, G>C on the plus strand (C>G on the coding strand, the complement: TNFRSF1A is on the minus strand). VCF-style: chr12-6329921-G-C. GRCh37 (hg19) VCF-style: chr12-6439087-G-C.
Other names: c.590C>G, p.Pro197Arg (NM_001346091.2); c.455C>G, p.Pro152Arg (NM_001346092.2); short protein forms P305R, P152R, P197R.
Identifiers: ClinVar variation 618437 (VCV000618437.8), dbSNP rs1344445194, ClinGen allele CA383545903.

ClinVar aggregate classification (germline): Uncertain significance (1 of 4 stars; one submission).

Allele frequency attached by ClinVar (database versions not stated): gnomAD exomes 0.00001; TOPMed 0.00001.
gnomAD v4.1: 1 of 1,572,360 alleles (0.000064%); no homozygotes.

Submission:

ARUP Laboratories, Molecular Genetics and Genomics, ARUP Laboratories
Classification: Uncertain significance. Last evaluated: 2018-01-12. Review status: criteria provided, single submitter. Criteria: ARUP Molecular Germline Variant Investigation Process. Collection method: clinical testing. Allele origin: germline.
Comment: The TNFRSF1A c.914C>G; p.Pro305Arg variant is not reported in the medical literature, in gene-specific databases, or in the ClinVar database. The variant is not listed in the dbSNP variant database, but is listed in the Genome Aggregation Database in 1 out of 177426 alleles. The proline at this position is not well conserved across species and computational algorithms (PolyPhen2, SIFT) predict this variant is tolerated. Considering available information, the clinical significance of this variant cannot be determined with certainty. Pathogenic TNFRSF1A variants are associated with autosomal dominant periodic fever (MIM#142680).